The following is an entry in ClinVar:

ClinVar aggregate classification (germline): Conflicting classifications of pathogenicity. Review status: criteria provided, conflicting classifications (1 of 4 stars). 5 submissions from 5 submitters: Uncertain significance (2); Likely benign (3). Last evaluated 2026-05-05.

Conditions:
KMT2D-related disorder. Also called: KMT2D-Related Disorders.
Kabuki syndrome. Also called: Kabuki make-up syndrome; NIIKAWA-KUROKI SYNDROME. Identifiers: Orphanet 2322, MedGen C0796004, MONDO:0016512.
Kabuki syndrome 1 (KABUK1). Also called: KMT2D-Related Kabuki Syndrome. Identifiers: Orphanet 2322, MedGen CN030661, MONDO:0007843, OMIM 147920.

Allele frequency attached by ClinVar (database versions not stated): gnomAD 0.00010; ESP Exome Variant Server 0.00008; TOPMed 0.00008.

Submissions (5):

PreventionGenetics, part of Exact Sciences
Classification: Likely benign for KMT2D-related condition. Last evaluated: 2026-05-05. Review status: criteria provided, single submitter. Criteria: ACMG Guidelines, 2015. Collection method: clinical testing. Allele origin: germline.
Comment: This variant is classified as likely benign based on ACMG/AMP sequence variant interpretation guidelines (Richards et al. 2015 PMID: 25741868, with internal and published modifications).

CeGaT Center for Human Genetics Tuebingen
Classification: Likely benign. Last evaluated: 2026-01-01. Review status: criteria provided, single submitter. Criteria: CeGaT Center For Human Genetics Tuebingen Variant Classification Criteria Version 2. Collection method: clinical testing. Allele origin: germline. Affected: yes. Observed: 1 variant allele.
Comment: KMT2D: BP4

Labcorp Genetics (formerly Invitae), Labcorp
Classification: Likely benign for Kabuki syndrome. Last evaluated: 2025-12-27. Review status: criteria provided, single submitter. Criteria: Invitae Variant Classification Sherloc (09022015). Collection method: clinical testing. Allele origin: germline.

Fulgent Genetics
Classification: Uncertain significance for Kabuki syndrome 1. Last evaluated: 2018-10-31. Review status: criteria provided, single submitter. Criteria: ACMG Guidelines, 2015. Collection method: clinical testing. Allele origin: unknown.

Eurofins Ntd Llc (ga)
Classification: Uncertain significance. Last evaluated: 2015-08-20. Review status: criteria provided, single submitter. Criteria: EGL Classification Definitions 2015. Collection method: clinical testing. Allele origin: germline. Observed: 2 variant alleles, 2 heterozygotes.

NM_003482.4(KMT2D):c.7109G>A (p.Arg2370His)

Gene: KMT2D (lysine methyltransferase 2D; minus strand). Cytogenetic location: 12q13.12.
Variant type: single nucleotide variant.
Coding change: c.7109G>A on transcript NM_003482.4 (MANE Select); coding-DNA position 7109, G replaced by A.
Protein change: p.Arg2370His; replaces arginine 2370 with histidine.
Molecular consequence: missense variant.
Genome position (GRCh38, 1-based): chr12:49,040,661, C>T on the plus strand (G>A on the coding strand, the complement: KMT2D is on the minus strand). VCF-style: chr12-49040661-C-T. GRCh37 (hg19) VCF-style: chr12-49434444-C-T.
Other names: c.7109G>A (NM_003482.3); short protein forms R2370H.
Identifiers: ClinVar variation 167224 (VCV000167224.20), dbSNP rs373234419, ClinGen allele CA234176.
Genomic context (GRCh38, chr12:49,040,661, plus strand): 5'-GGAGGTTGGGGCCGAGGAGTCAATGGGGGCTGAGCATATGGGTCAGTGTAGGAGCCAGGG[C>T]GAAAGATGTCTGGGTGACTTGGAGGAGAAGGTGCCAAAGCCTGGGCAGGGGGTGGCTCCT-3'
Protein context (NP_003473.3, residues 2360-2380): PSPPSHPDIF[Arg2370His]PGSYTDPYAQ